The following is an entry in ClinVar:

ClinVar aggregate classification (germline): Conflicting classifications of pathogenicity. Review status: criteria provided, conflicting classifications (1 of 4 stars). 4 submissions from 4 submitters: Uncertain significance (3); Likely benign (1). Last evaluated 2026-08-19.

Conditions:
Hereditary cancer-predisposing syndrome. Also called: Hereditary Cancer Syndrome; Tumor predisposition; Hereditary neoplastic syndrome; Neoplastic Syndromes, Hereditary. Identifiers: Orphanet 140162, MedGen C0027672, MeSH D009386, MONDO:0015356.
Hereditary breast ovarian cancer syndrome. Also called: Breast and ovarian cancer; Hereditary breast and ovarian cancer syndrome; BRCA1- and BRCA2-Associated Hereditary Breast and Ovarian Cancer; Hereditary breast and ovarian cancer syndrome (HBOC); Hereditary breast and/or ovarian cancer syndrome; Hereditary breast and ovarian cancer. Identifiers: Orphanet 145, MedGen C0677776, MeSH D061325, MONDO:0003582. Disease mechanism: loss of function.
Breast-ovarian cancer, familial, susceptibility to, 2 (BROVCA2). Also called: BRCA2 Hereditary Breast and Ovarian Cancer. Identifiers: Orphanet 145, MedGen C2675520, MONDO:0012933, OMIM 612555. Disease mechanism: loss of function.

Allele frequency attached by ClinVar (database versions not stated): TOPMed below 0.00001.

Submissions (4):

Myriad Genetics, Inc.
Classification: Likely benign for Breast-ovarian cancer, familial, susceptibility to, 2. Last evaluated: 2026-08-19. Review status: criteria provided, single submitter. Criteria: Myriad Autosomal Dominant, Autosomal Recessive and X-Linked Classification Criteria (2023). Collection method: clinical testing. Allele origin: unknown.
Comment: This variant is considered likely benign. This variant has been observed in trans with a known pathogenic variant in one or more individuals lacking clinical features consistent with gene-specific recessive disease.

Ambry Genetics
Classification: Uncertain significance for Hereditary cancer-predisposing syndrome. Last evaluated: 2024-06-20. Review status: criteria provided, single submitter. Criteria: Ambry Variant Classification Scheme 2023. Collection method: clinical testing. Allele origin: germline.
Comment: The p.Q154H variant (also known as c.462A>T), located in coding exon 4 of the BRCA2 gene, results from an A to T substitution at nucleotide position 462. The glutamine at codon 154 is replaced by histidine, an amino acid with highly similar properties. This amino acid position is highly conserved in available vertebrate species. In addition, this alteration is predicted to be tolerated by in silico analysis. Based on the available evidence, the clinical significance of this variant remains unclear.

Labcorp Genetics (formerly Invitae), Labcorp
Classification: Uncertain significance for Hereditary breast ovarian cancer syndrome. Last evaluated: 2023-03-02. Review status: criteria provided, single submitter. Criteria: Invitae Variant Classification Sherloc (09022015). Collection method: clinical testing. Allele origin: germline.
Comment: This sequence change replaces glutamine, which is neutral and polar, with histidine, which is basic and polar, at codon 154 of the BRCA2 protein (p.Gln154His). This variant is not present in population databases (gnomAD no frequency). This variant has not been reported in the literature in individuals affected with BRCA2-related conditions. ClinVar contains an entry for this variant (Variation ID: 234478). Advanced modeling of protein sequence and biophysical properties (such as structural, functional, and spatial information, amino acid conservation, physicochemical variation, residue mobility, and thermodynamic stability) performed at Invitae indicates that this missense variant is not expected to disrupt BRCA2 protein function. In summary, the available evidence is currently insufficient to determine the role of this variant in disease. Therefore, it has been classified as a Variant of Uncertain Significance.

GeneDx
Classification: Uncertain significance. Last evaluated: 2015-12-27. Review status: criteria provided, single submitter. Criteria: GeneDx Variant Classification (06012015). Collection method: clinical testing. Allele origin: germline. Affected: yes.
Comment: This variant is denoted BRCA2 c.462A>T at the cDNA level, p.Gln154His (Q154H) at the protein level, and results in the change of a Glutamine to a Histidine (CAA>CAT). Using alternate nomenclature, this variant would be defined as BRCA2 690A>T. This variant has not, to our knowledge, been published in the literature as pathogenic or benign. BRCA2 Gln154His was not observed in approximately 6,500 individuals of European and African American ancestry in the NHLBI Exome Sequencing Project, suggesting it is not a common benign variant in these populations. Since Glutamine and Histidine differ in some properties, this is considered a semi-conservative amino acid substitution. BRCA2 Gln154His occurs at a position that is conserved across species and is not located in a known functional domain (UniProt). In silico analyses are inconsistent regarding the effect this variant may have on protein structure and function. Based on currently available information, it is unclear whether BRCA2 Gln154His is pathogenic or benign. We consider it to be a variant of uncertain significance.

NM_000059.4(BRCA2):c.462A>T (p.Gln154His)

Gene: BRCA2 (BRCA2 DNA repair associated; plus strand). Cytogenetic location: 13q13.1.
Variant type: single nucleotide variant.
Coding change: c.462A>T on transcript NM_000059.4 (MANE Select); coding-DNA position 462, A replaced by T.
Protein change: p.Gln154His; replaces glutamine 154 with histidine.
Molecular consequence: missense variant.
Genome position (GRCh38, 1-based): chr13:32,326,137, A>T. VCF-style: chr13-32326137-A-T. GRCh37 (hg19) VCF-style: chr13-32900274-A-T.
Other names: short protein forms Q154H.
Identifiers: ClinVar variation 234478 (VCV000234478.9), dbSNP rs876661040, ClinGen allele CA10577459.